The following is an entry in ClinVar:

NM_014806.5(RUSC2):c.806T>C (p.Val269Ala)

Gene: RUSC2 (RUN and SH3 domain containing 2; plus strand). Cytogenetic location: 9p13.3.
Variant type: single nucleotide variant.
Coding change: c.806T>C on transcript NM_014806.5 (MANE Select); coding-DNA position 806, T replaced by C.
Protein change: p.Val269Ala; replaces valine 269 with alanine.
Molecular consequence: missense variant. On other transcripts: non-coding transcript variant (1), intron variant (1).
Genome position (GRCh38, 1-based): chr9:35,547,327, T>C. VCF-style: chr9-35547327-T-C. GRCh37 (hg19) VCF-style: chr9-35547324-T-C.
Other names: c.806T>C, p.Val269Ala (NM_001135999.2); c.-620-7733T>C (NM_001330740.2); short protein forms V269A.
Identifiers: ClinVar variation 1979553 (VCV001979553.2), dbSNP rs1399819326, ClinGen allele CA373329005.

ClinVar aggregate classification (germline): Uncertain significance (1 of 4 stars; one submission).

Allele frequency attached by ClinVar (database versions not stated): gnomAD exomes 0.00001.
gnomAD v4.1: 14 of 1,614,174 alleles (0.00087%); highest among the groups gnomAD compares: Non-Finnish European, 0.0011%; no homozygotes.

Submission:

Labcorp Genetics (formerly Invitae), Labcorp
Classification: Uncertain significance. Last evaluated: 2022-10-15. Review status: criteria provided, single submitter. Criteria: Invitae Variant Classification Sherloc (09022015). Collection method: clinical testing. Allele origin: germline.
Comment: In summary, the available evidence is currently insufficient to determine the role of this variant in disease. Therefore, it has been classified as a Variant of Uncertain Significance. Algorithms developed to predict the effect of missense changes on protein structure and function output the following: SIFT: "Tolerated"; PolyPhen-2: "Benign"; Align-GVGD: "Class C0". The alanine amino acid residue is found in multiple mammalian species, which suggests that this missense change does not adversely affect protein function. This variant has not been reported in the literature in individuals affected with RUSC2-related conditions. This variant is present in population databases (no rsID available, gnomAD 0.003%). This sequence change replaces valine, which is neutral and non-polar, with alanine, which is neutral and non-polar, at codon 269 of the RUSC2 protein (p.Val269Ala).